The following is an entry in ClinVar:

NM_004329.3(BMPR1A):c.895A>G (p.Thr299Ala)

Gene: BMPR1A (bone morphogenetic protein receptor type 1A; plus strand). Cytogenetic location: 10q23.2.
Variant type: single nucleotide variant.
Coding change: c.895A>G on transcript NM_004329.3 (MANE Select); coding-DNA position 895, A replaced by G.
Protein change: p.Thr299Ala; replaces threonine 299 with alanine.
Molecular consequence: missense variant.
Genome position (GRCh38, 1-based): chr10:86,919,198, A>G. VCF-style: chr10-86919198-A-G. GRCh37 (hg19) VCF-style: chr10-88678955-A-G.
Other names: short protein forms T299A.
Identifiers: ClinVar variation 233954 (VCV000233954.18), dbSNP rs876660756, ClinGen allele CA10578890.

ClinVar aggregate classification (germline): Uncertain significance. Review status: criteria provided, multiple submitters, no conflicts (2 of 4 stars). 4 submissions from 4 submitters: Uncertain significance (4). Last evaluated 2024-11-22.

Conditions:
Juvenile polyposis syndrome (JPS). Identifiers: Orphanet 2929, MedGen C0345893, MONDO:0017380, OMIM 174900.
Hereditary cancer-predisposing syndrome. Also called: Tumor predisposition; Hereditary Cancer Syndrome; Hereditary neoplastic syndrome; Neoplastic Syndromes, Hereditary. Identifiers: Orphanet 140162, MedGen C0027672, MeSH D009386, MONDO:0015356.

Allele frequency attached by ClinVar (database versions not stated): gnomAD exomes below 0.00001.
gnomAD v4.1: 2 of 1,613,978 alleles (0.00012%); highest among the groups gnomAD compares: Non-Finnish European, 0.00017%; no homozygotes.

Submissions (4):

Ambry Genetics
Classification: Uncertain significance for Hereditary cancer-predisposing syndrome. Last evaluated: 2024-11-22. Review status: criteria provided, single submitter. Criteria: Ambry Variant Classification Scheme 2023. Collection method: clinical testing. Allele origin: germline.
Comment: The p.T299A variant (also known as c.895A>G), located in coding exon 8 of the BMPR1A gene, results from an A to G substitution at nucleotide position 895. The threonine at codon 299 is replaced by alanine, an amino acid with similar properties. This amino acid position is highly conserved in available vertebrate species. In addition, the in silico prediction for this alteration is inconclusive. Since supporting evidence is limited at this time, the clinical significance of this alteration remains unclear.

Labcorp Genetics (formerly Invitae), Labcorp
Classification: Uncertain significance for Juvenile polyposis syndrome. Last evaluated: 2023-12-18. Review status: criteria provided, single submitter. Criteria: Invitae Variant Classification Sherloc (09022015). Collection method: clinical testing. Allele origin: germline.
Comment: This sequence change replaces threonine, which is neutral and polar, with alanine, which is neutral and non-polar, at codon 299 of the BMPR1A protein (p.Thr299Ala). This variant is not present in population databases (gnomAD no frequency). This variant has not been reported in the literature in individuals affected with BMPR1A-related conditions. ClinVar contains an entry for this variant (Variation ID: 233954). Advanced modeling of protein sequence and biophysical properties (such as structural, functional, and spatial information, amino acid conservation, physicochemical variation, residue mobility, and thermodynamic stability) performed at Invitae indicates that this missense variant is not expected to disrupt BMPR1A protein function with a negative predictive value of 80%. In summary, the available evidence is currently insufficient to determine the role of this variant in disease. Therefore, it has been classified as a Variant of Uncertain Significance.

Color Diagnostics, LLC DBA Color Health
Classification: Uncertain significance for Hereditary cancer-predisposing syndrome. Last evaluated: 2023-12-05. Review status: criteria provided, single submitter. Criteria: ACMG Guidelines, 2015. Collection method: clinical testing. Allele origin: germline.
Comment: This missense variant replaces threonine with alanine at codon 299 of the BMPR1A protein. Computational prediction is inconclusive regarding the impact of this variant on protein structure and function (internally defined REVEL score threshold 0.5 < inconclusive < 0.7, PMID: 27666373). To our knowledge, functional studies have not been reported for this variant. This variant has not been reported in individuals affected with BMPR1A-related disorders in the literature. This variant has not been identified in the general population by the Genome Aggregation Database (gnomAD). The available evidence is insufficient to determine the role of this variant in disease conclusively. Therefore, this variant is classified as a Variant of Uncertain Significance.

All of Us Research Program, National Institutes of Health
Classification: Uncertain significance for Juvenile polyposis syndrome. Last evaluated: 2023-12-01. Review status: criteria provided, single submitter. Criteria: ACMG Guidelines, 2015. Collection method: clinical testing. Allele origin: germline. Inheritance: Autosomal dominant inheritance. Observed: 1 variant allele, 1 heterozygote.
Comment: This study involves interpretation of variants in research participants for the purpose of population health screening. Participant phenotype was not available at the time of variant classification. Additional details can be found in publication PMID: 35346344, PMCID: PMC8962531